The following is an entry in ClinVar:

Conditions:
Breast-ovarian cancer, familial, susceptibility to, 1 (BROVCA1). Also called: BRCA1 Hereditary Breast and Ovarian Cancer; OVARIAN CANCER, SUSCEPTIBILITY TO. Identifiers: Orphanet 145, MedGen C2676676, MONDO:0011450, OMIM 604370. Disease mechanism: loss of function.

Submission:

Brotman Baty Institute, University of Washington
No classification provided (evidence only). Condition: Breast-ovarian cancer, familial 1. Review status: no classification provided. Collection method: in vitro. Allele origin: not applicable. Functional consequence: functionally_normal.
ClinVar note: "not provided" was previously submitted as the classification for the variant. However, the classification appeared to be based only on an observation of functional data so it was converted to no classification on 2025-07-30.

NM_007294.4(BRCA1):c.5378A>T (p.Lys1793Met)

Gene: BRCA1 (BRCA1 DNA repair associated; minus strand). Cytogenetic location: 17q21.31.
Variant type: single nucleotide variant.
Coding change: c.5378A>T on transcript NM_007294.4 (MANE Select); coding-DNA position 5378, A replaced by T.
Protein change: p.Lys1793Met; replaces lysine 1793 with methionine.
Molecular consequence: missense variant. On other transcripts: non-coding transcript variant (1), intron variant (1).
Genome position (GRCh38, 1-based): chr17:43,049,149, T>A on the plus strand (A>T on the coding strand, the complement: BRCA1 is on the minus strand). VCF-style: chr17-43049149-T-A. GRCh37 (hg19) VCF-style: chr17-41201166-T-A.
Other names: c.5165A>T, p.Lys1722Met (NM_001407571.1, NM_001407896.1, NM_001407897.1 and 12 more transcripts); c.5444A>T, p.Lys1815Met (NM_001407581.1, NM_001407582.1); c.5441A>T, p.Lys1814Met (NM_001407583.1, NM_001407585.1, NM_001407587.1 and 1 more transcripts); c.5438A>T, p.Lys1813Met (NM_001407590.1, NM_001407591.1); c.5378A>T, p.Lys1793Met (NM_001407593.1, NM_001407594.1, NM_001407596.1 and 5 more transcripts); c.5375A>T, p.Lys1792Met (NM_001407619.1, NM_001407620.1, NM_001407621.1 and 14 more transcripts); c.5372A>T, p.Lys1791Met (NM_001407627.1, NM_001407638.1, NM_001407639.1 and 13 more transcripts); c.5369A>T, p.Lys1790Met (NM_001407644.1, NM_001407645.1); and 73 more; short protein forms K1793M, K1814M, K1746M, K689M, K1665M, K1681M, K1682M, K1703M.
Identifiers: ClinVar variation 865397 (VCV000865397.3), dbSNP rs730881446, ClinGen allele CA10590716.